The following is an entry in ClinVar:

NM_004304.5(ALK):c.1988A>C (p.Glu663Ala)

Gene: ALK (ALK receptor tyrosine kinase; minus strand). Cytogenetic location: 2p23.2.
Variant type: single nucleotide variant.
Coding change: c.1988A>C on transcript NM_004304.5 (MANE Select); coding-DNA position 1988, A replaced by C.
Protein change: p.Glu663Ala; replaces glutamic acid 663 with alanine.
Molecular consequence: missense variant.
Genome position (GRCh38, 1-based): chr2:29,275,152, T>G on the plus strand (A>C on the coding strand, the complement: ALK is on the minus strand). VCF-style: chr2-29275152-T-G. GRCh37 (hg19) VCF-style: chr2-29498018-T-G.
Other names: short protein forms E663A.
Identifiers: ClinVar variation 3722166 (VCV003722166.2).
Genomic context (GRCh38, chr2:29,275,152, plus strand): 5'-CCCTTACCTGTAGGGTCAAAGATGGGGGTCTGTCTTGGTGAATTTTCCCCGGGTTTCAGC[T>G]CCTTGTTTGGGTTTCTCTCAAACAGGTTTCTTGATTTGGGTGCTGTATTCTGCAGGATCT-3'
Protein context (NP_004295.2, residues 653-673): RNLFERNPNK[Glu663Ala]LKPGENSPRQ

ClinVar aggregate classification (germline): Uncertain significance (1 of 4 stars; one submission).

Conditions:
Neuroblastoma, susceptibility to, 3. Also called: ALK-Related Neuroblastic Tumor Susceptibility. Identifiers: Orphanet 635, MedGen C2751681, MONDO:0013083, OMIM 613014.

Submission:

Labcorp Genetics (formerly Invitae), Labcorp
Classification: Uncertain significance for Neuroblastoma, susceptibility to, 3. Last evaluated: 2024-10-03. Review status: criteria provided, single submitter. Criteria: Invitae Variant Classification Sherloc (09022015). Collection method: clinical testing. Allele origin: germline.
Comment: This sequence change replaces glutamic acid, which is acidic and polar, with alanine, which is neutral and non-polar, at codon 663 of the ALK protein (p.Glu663Ala). This variant is not present in population databases (gnomAD no frequency). This variant has not been reported in the literature in individuals affected with ALK-related conditions. An algorithm developed to predict the effect of missense changes on protein structure and function (PolyPhen-2) suggests that this variant is likely to be tolerated. In summary, the available evidence is currently insufficient to determine the role of this variant in disease. Therefore, it has been classified as a Variant of Uncertain Significance.